The following is an entry in ClinVar:

NM_002439.5(MSH3):c.1835A>G (p.Glu612Gly)

Gene: MSH3 (mutS homolog 3; plus strand). Cytogenetic location: 5q14.1.
Variant type: single nucleotide variant.
Coding change: c.1835A>G on transcript NM_002439.5 (MANE Select); coding-DNA position 1835, A replaced by G.
Protein change: p.Glu612Gly; replaces glutamic acid 612 with glycine.
Molecular consequence: missense variant.
Genome position (GRCh38, 1-based): chr5:80,761,617, A>G. VCF-style: chr5-80761617-A-G. GRCh37 (hg19) VCF-style: chr5-80057436-A-G.
Other names: short protein forms E612G.
Identifiers: ClinVar variation 1781026 (VCV001781026.3), dbSNP rs2546770044, ClinGen allele CA360276615.

ClinVar aggregate classification (germline): Uncertain significance. Review status: criteria provided, multiple submitters, no conflicts (2 of 4 stars). 2 submissions from 2 submitters: Uncertain significance (2). Last evaluated 2024-02-27.

Conditions:
Hereditary cancer-predisposing syndrome. Also called: Neoplastic Syndromes, Hereditary; Tumor predisposition; Hereditary Cancer Syndrome; Hereditary neoplastic syndrome. Identifiers: Orphanet 140162, MedGen C0027672, MeSH D009386, MONDO:0015356.
Endometrial carcinoma. Also called: Endometrial carcinoma, somatic. Identifiers: MedGen C0476089, MONDO:0002447, OMIM 608089, HP:0012114.

Submissions (2):

Baylor Genetics
Classification: Uncertain significance for Endometrial carcinoma. Last evaluated: 2024-02-27. Review status: criteria provided, single submitter. Criteria: ACMG Guidelines, 2015. Collection method: clinical testing. Allele origin: unknown.

Ambry Genetics
Classification: Uncertain significance for Hereditary cancer-predisposing syndrome. Last evaluated: 2022-07-01. Review status: criteria provided, single submitter. Criteria: Ambry Variant Classification Scheme 2023. Collection method: clinical testing. Allele origin: germline.
Comment: The p.E612G variant (also known as c.1835A>G), located in coding exon 13 of the MSH3 gene, results from an A to G substitution at nucleotide position 1835. The glutamic acid at codon 612 is replaced by glycine, an amino acid with similar properties. This amino acid position is conserved. In addition, the in silico prediction for this alteration is inconclusive. Since supporting evidence is limited at this time, the clinical significance of this alteration remains unclear.